The following is an entry in ClinVar:

NM_001378328.1(CELSR1):c.4366C>T (p.Arg1456Trp)

Gene: CELSR1 (cadherin EGF LAG seven-pass G-type receptor 1; minus strand). Cytogenetic location: 22q13.31.
Variant type: single nucleotide variant.
Coding change: c.4366C>T on transcript NM_001378328.1 (MANE Select); coding-DNA position 4366, C replaced by T.
Protein change: p.Arg1456Trp; replaces arginine 1456 with tryptophan.
Molecular consequence: missense variant.
Genome position (GRCh38, 1-based): chr22:46,439,229, G>A on the plus strand (C>T on the coding strand, the complement: CELSR1 is on the minus strand). VCF-style: chr22-46439229-G-A. GRCh37 (hg19) VCF-style: chr22-46835126-G-A.
Other names: c.4366C>T, p.Arg1456Trp (NM_014246.4); short protein forms R1456W.
Identifiers: ClinVar variation 3600460 (VCV003600460.1).

ClinVar aggregate classification (germline): Uncertain significance (1 of 4 stars; one submission).

Conditions:
Lymphatic malformation 9. Identifiers: MedGen C5543365, MONDO:0030270, OMIM 619319.

gnomAD v4.1: 413 of 1,613,972 alleles (0.026%); highest among the groups gnomAD compares: Non-Finnish European, 0.032%; no homozygotes.

Submission:

Clinical Genomics Laboratory, Washington University in St. Louis
Classification: Uncertain significance for Lymphatic malformation 9. Last evaluated: 2024-09-27. Review status: criteria provided, single submitter. Criteria: ACMG Guidelines, 2015. Collection method: clinical testing. Allele origin: germline.
Comment: A CELSR1 c.4366C>T (p.Arg1456Trp) variant was identified at a near heterozygous allelic fraction of 47.5%, a frequency that may be consistent with germline origin. This variant, to our knowledge, has not been reported in the medical literature. It is observed on 413/1,613,972 alleles in the general population (gnomAD v.4.1.0). Computational predictors indicate that the variant is damaging, evidence that correlates with impact on CELSR1 function. Due to limited information, and based on ACMG/AMP guidelines for variant interpretation (Richards S et al., PMID: 25741868), the clinical significance of this variant is uncertain at this time.